The following is an entry in ClinVar:

NM_000075.4(CDK4):c.354+5G>T

Gene: CDK4 (cyclin dependent kinase 4; minus strand). Cytogenetic location: 12q14.1.
Variant type: single nucleotide variant.
Coding change: c.354+5G>T on transcript NM_000075.4 (MANE Select); 5 bases into the intron after coding-DNA position 354, G replaced by T.
Molecular consequence: intron variant.
Genome position (GRCh38, 1-based): chr12:57,751,202, C>A on the plus strand (G>T on the coding strand, the complement: CDK4 is on the minus strand). VCF-style: chr12-57751202-C-A. GRCh37 (hg19) VCF-style: chr12-58144985-C-A.
Identifiers: ClinVar variation 2452467 (VCV002452467.5), dbSNP rs2140387171, ClinGen allele CA2580086655.

ClinVar aggregate classification (germline): Uncertain significance. Review status: criteria provided, multiple submitters, no conflicts (2 of 4 stars). 2 submissions from 2 submitters: Uncertain significance (2). Last evaluated 2023-02-24.

Conditions:
Hereditary cancer-predisposing syndrome. Also called: Neoplastic Syndromes, Hereditary; Tumor predisposition; Hereditary neoplastic syndrome; Hereditary Cancer Syndrome. Identifiers: Orphanet 140162, MedGen C0027672, MeSH D009386, MONDO:0015356.
Familial melanoma. Also called: Hereditary melanoma; Hereditary cutaneous melanoma. Identifiers: Orphanet 618, MedGen C1512419, MONDO:0018961.

Submissions (2):

Labcorp Genetics (formerly Invitae), Labcorp
Classification: Uncertain significance for Familial melanoma. Last evaluated: 2023-02-24. Review status: criteria provided, single submitter. Criteria: Invitae Variant Classification Sherloc (09022015). Collection method: clinical testing. Allele origin: germline.
Comment: This variant has not been reported in the literature in individuals affected with CDK4-related conditions. Variants that disrupt the consensus splice site are a relatively common cause of aberrant splicing (PMID: 17576681, 9536098). Algorithms developed to predict the effect of sequence changes on RNA splicing suggest that this variant is not likely to affect RNA splicing. In summary, the available evidence is currently insufficient to determine the role of this variant in disease. Therefore, it has been classified as a Variant of Uncertain Significance. This variant is not present in population databases (gnomAD no frequency). This sequence change falls in intron 3 of the CDK4 gene. It does not directly change the encoded amino acid sequence of the CDK4 protein. It affects a nucleotide within the consensus splice site.

Ambry Genetics
Classification: Uncertain significance for Hereditary cancer-predisposing syndrome. Last evaluated: 2022-12-19. Review status: criteria provided, single submitter. Criteria: Ambry Variant Classification Scheme 2023. Collection method: clinical testing. Allele origin: germline.
Comment: The c.354+5G>T intronic variant results from a G to T substitution 5 nucleotides after coding exon 2 in the CDK4 gene. This nucleotide position is not well conserved in available vertebrate species. In silico splice site analysis predicts that this alteration will not have any significant effect on splicing. Since supporting evidence is limited at this time, the clinical significance of this alteration remains unclear.

Literature cited by the submitters: PubMed 17576681 (cited by Labcorp Genetics (formerly Invitae), Labcorp); PubMed 9536098 (cited by Labcorp Genetics (formerly Invitae), Labcorp).